The following is an entry in ClinVar:

ClinVar aggregate classification (germline): Uncertain significance. Review status: criteria provided, multiple submitters, no conflicts (2 of 4 stars). 2 submissions from 2 submitters: Uncertain significance (2). Last evaluated 2024-08-31.

Conditions:
Atrioventricular septal defect 4 (AVSD4). Identifiers: MedGen C3280781, MONDO:0013747, OMIM 614430.

Allele frequency attached by ClinVar (database versions not stated): gnomAD exomes below 0.00001.
gnomAD v4.1: 5 of 1,480,596 alleles (0.00034%); highest among the groups gnomAD compares: Non-Finnish European, 0.00036%; no homozygotes.

Submissions (2):

Labcorp Genetics (formerly Invitae), Labcorp
Classification: Uncertain significance for Atrioventricular septal defect 4. Last evaluated: 2024-08-31. Review status: criteria provided, single submitter. Criteria: Invitae Variant Classification Sherloc (09022015). Collection method: clinical testing. Allele origin: germline.
Comment: This sequence change replaces glycine, which is neutral and non-polar, with arginine, which is basic and polar, at codon 64 of the GATA4 protein (p.Gly64Arg). This variant is not present in population databases (gnomAD no frequency). This variant has not been reported in the literature in individuals affected with GATA4-related conditions. ClinVar contains an entry for this variant (Variation ID: 2503259). Invitae Evidence Modeling of protein sequence and biophysical properties (such as structural, functional, and spatial information, amino acid conservation, physicochemical variation, residue mobility, and thermodynamic stability) indicates that this missense variant is not expected to disrupt GATA4 protein function with a negative predictive value of 80%. This variant disrupts the p.Gly64 amino acid residue in GATA4. Other variant(s) that disrupt this residue have been determined to be pathogenic (PMID: 20931527, 28161810). This suggests that this residue is clinically significant, and that variants that disrupt this residue are likely to be disease-causing. In summary, the available evidence is currently insufficient to determine the role of this variant in disease. Therefore, it has been classified as a Variant of Uncertain Significance.

GeneDx
Classification: Uncertain significance. Last evaluated: 2023-04-24. Review status: criteria provided, single submitter. Criteria: GeneDx Variant Classification Process June 2021. Collection method: clinical testing. Allele origin: germline. Affected: yes.
Comment: Not observed at significant frequency in large population cohorts (gnomAD); In silico analysis supports that this missense variant does not alter protein structure/function; Has not been previously published as pathogenic or benign to our knowledge; This variant is associated with the following publications: (PMID: 27535533)

Literature cited by the submitters: PubMed 20931527 (cited by Labcorp Genetics (formerly Invitae), Labcorp); PubMed 28161810 (cited by Labcorp Genetics (formerly Invitae), Labcorp).

NM_001308093.3(GATA4):c.190G>C (p.Gly64Arg)

Gene: GATA4 (GATA binding protein 4). Cytogenetic location: 8p23.1.
Variant type: single nucleotide variant.
Coding change: c.190G>C on transcript NM_001308093.3 (MANE Select); coding-DNA position 190, G replaced by C.
Protein change: p.Gly64Arg; replaces glycine 64 with arginine.
Molecular consequence: missense variant. On other transcripts: intron variant (3).
Genome position (GRCh38, 1-based): chr8:11,708,502, G>C. VCF-style: chr8-11708502-G-C. GRCh37 (hg19) VCF-style: chr8-11566011-G-C.
Other names: c.190G>C, p.Gly64Arg (NM_002052.5); c.-6+7724G>C (NM_001308094.2); c.-3+488G>C (NM_001374274.1); c.-3+4198G>C (NM_001374273.1); short protein forms G64R.
Identifiers: ClinVar variation 2503259 (VCV002503259.3), dbSNP rs2486779574, ClinGen allele CA370309117.